The following is an entry in ClinVar:

ClinVar aggregate classification (germline): Likely benign (1 of 4 stars; one submission).

Conditions:
PLXNA2-related disorder. Also called: PLXNA2-related condition.

gnomAD v4.1: 23 of 1,613,928 alleles (0.0014%); highest among the groups gnomAD compares: Non-Finnish European, 0.0019%; no homozygotes.

Submission:

PreventionGenetics, part of Exact Sciences
Classification: Likely benign for PLXNA2-related condition. Last evaluated: 2025-11-04. Review status: criteria provided, single submitter. Criteria: ACMG Guidelines, 2015. Collection method: clinical testing. Allele origin: germline.
Comment: This variant is classified as likely benign based on ACMG/AMP sequence variant interpretation guidelines (Richards et al. 2015 PMID: 25741868, with internal and published modifications).

NM_025179.4(PLXNA2):c.4320T>C (p.Asn1440=)

Gene: PLXNA2 (plexin A2; minus strand). Cytogenetic location: 1q32.2.
Variant type: single nucleotide variant.
Coding change: c.4320T>C on transcript NM_025179.4 (MANE Select); coding-DNA position 4320, T replaced by C.
Protein change: p.Asn1440=; no amino-acid change (asparagine 1440 retained).
Molecular consequence: synonymous variant.
Genome position (GRCh38, 1-based): chr1:208,040,025, A>G on the plus strand (T>C on the coding strand, the complement: PLXNA2 is on the minus strand). VCF-style: chr1-208040025-A-G. GRCh37 (hg19) VCF-style: chr1-208213370-A-G.
Identifiers: ClinVar variation 4989263 (VCV004989263.1).